The following is an entry in ClinVar:

NM_000018.4(ACADVL):c.481G>T (p.Ala161Ser)

Gene: ACADVL (acyl-CoA dehydrogenase very long chain; plus strand). Cytogenetic location: 17p13.1.
Variant type: single nucleotide variant.
Coding change: c.481G>T on transcript NM_000018.4 (MANE Select); coding-DNA position 481, G replaced by T.
Protein change: p.Ala161Ser; replaces alanine 161 with serine.
Molecular consequence: missense variant.
Genome position (GRCh38, 1-based): chr17:7,221,541, G>T. VCF-style: chr17-7221541-G-T. GRCh37 (hg19) VCF-style: chr17-7124860-G-T.
Other names: c.415G>T, p.Ala139Ser (NM_001033859.3); c.550G>T, p.Ala184Ser (NM_001270447.2); c.253G>T, p.Ala85Ser (NM_001270448.2); short protein forms A139S, A161S, A184S, A85S.
Identifiers: ClinVar variation 2778025 (VCV002778025.2), dbSNP rs375284481, ClinGen allele CA8337741.
Genomic context (GRCh38, chr17:7,221,541, plus strand): 5'-TTAAGGTCAGGTCCCCCTGCAGCCAGTGACAACCCCAGATTCCTGCTTCCCCTCCAGTAC[G>T]CCCGTTTGGTGGAGATCGTGGGCATGCATGACCTTGGCGTGGGCATTACCCTGGGGGCCC-3'
Protein context (NP_000009.1, residues 151-171): GGVGLCNTQY[Ala161Ser]RLVEIVGMHD

ClinVar aggregate classification (germline): Conflicting classifications of pathogenicity. Review status: criteria provided, conflicting classifications (1 of 4 stars). 2 submissions from 2 submitters: Likely pathogenic (1); Uncertain significance (1). Last evaluated 2025-12-28.

Conditions:
Very long chain acyl-CoA dehydrogenase deficiency (ACADVLD). Also called: VLCAD Deficiency; Very Long-Chain Acyl-Coenzyme A Dehydrogenase Deficiency. Identifiers: Orphanet 26793, MedGen C3887523, MONDO:0008723, OMIM 201475.

Allele frequency attached by ClinVar (database versions not stated): ESP Exome Variant Server 0.00008.
gnomAD v4.1: 4 of 1,613,984 alleles (0.00025%); highest among the groups gnomAD compares: African/African-American, 0.004%; no homozygotes.

Submissions (2):

Myriad Genetics, Inc.
Classification: Uncertain significance for Very long chain acyl-CoA dehydrogenase deficiency. Last evaluated: 2025-12-28. Review status: criteria provided, single submitter. Criteria: Myriad Autosomal Dominant, Autosomal Recessive and X-Linked Classification Criteria (2023). Collection method: clinical testing. Allele origin: unknown.
Comment: NM_000018.3(ACADVL):c.481G>T(A161S) is a missense variant classified as a variant of uncertain significance in the context of very-long-chain acyl-CoA dehydrogenase deficiency. A161S has not been observed in cases with relevant disease. Relevant functional assessments of this variant are not available in the literature. A161S has been observed in referenced population frequency databases. In summary, there is insufficient evidence to classify NM_000018.3(ACADVL):c.481G>T(A161S) as pathogenic or benign. Please note: this variant was assessed in the context of healthy population screening.

Labcorp Genetics (formerly Invitae), Labcorp
Classification: Likely pathogenic for Very long chain acyl-CoA dehydrogenase deficiency. Last evaluated: 2023-11-06. Review status: criteria provided, single submitter. Criteria: Invitae Variant Classification Sherloc (09022015). Collection method: clinical testing. Allele origin: germline.
Comment: This sequence change replaces alanine, which is neutral and non-polar, with serine, which is neutral and polar, at codon 161 of the ACADVL protein (p.Ala161Ser). This variant is present in population databases (rs375284481, gnomAD 0.008%). This variant has not been reported in the literature in individuals affected with ACADVL-related conditions. Advanced modeling of protein sequence and biophysical properties (such as structural, functional, and spatial information, amino acid conservation, physicochemical variation, residue mobility, and thermodynamic stability) performed at Invitae indicates that this missense variant is expected to disrupt ACADVL protein function with a positive predictive value of 95%. This variant disrupts the p.Ala161 amino acid residue in ACADVL. Other variant(s) that disrupt this residue have been determined to be pathogenic (PMID: 16488171, 16950999; Invitae). This suggests that this residue is clinically significant, and that variants that disrupt this residue are likely to be disease-causing. In summary, the currently available evidence indicates that the variant is pathogenic, but additional data are needed to prove that conclusively. Therefore, this variant has been classified as Likely Pathogenic.

Literature cited by the submitters: PubMed 16488171 (cited by Labcorp Genetics (formerly Invitae), Labcorp); PubMed 16950999 (cited by Labcorp Genetics (formerly Invitae), Labcorp).